The following is an entry in ClinVar:

NC_000006.11:g.(?_70386050)_(70490466_?)dup

Gene: LMBRD1 (LMBR1 domain containing 1; minus strand). Cytogenetic location: 6q13.
Variant type: Duplication.
Identifiers: ClinVar variation 2426466 (VCV002426466.6).

ClinVar aggregate classification (germline): Uncertain significance (1 of 4 stars; one submission).

Conditions:
Methylmalonic aciduria and homocystinuria type cblF. Also called: COBALAMIN F DISEASE; COBALAMIN, DEFECT IN LYSOSOMAL RELEASE OF; METHYLMALONIC ACIDEMIA AND HOMOCYSTINURIA, cblF TYPE; METHYLMALONIC ACIDURIA DUE TO VITAMIN B12-RELEASE DEFECT; VITAMIN B12 LYSOSOMAL RELEASE DEFECT; VITAMIN B12 STORAGE DISEASE. Identifiers: Orphanet 79284, MedGen C1848578, MONDO:0010183, OMIM 277380.

Submission:

Labcorp Genetics (formerly Invitae), Labcorp
Classification: Uncertain significance for Methylmalonic aciduria and homocystinuria type cblF. Last evaluated: 2022-06-05. Review status: criteria provided, single submitter. Criteria: Invitae Variant Classification Sherloc (09022015). Collection method: clinical testing. Allele origin: germline.
Comment: In summary, the available evidence is currently insufficient to determine the role of this variant in disease. Therefore, it has been classified as a Variant of Uncertain Significance. This variant has not been reported in the literature in individuals affected with LMBRD1-related conditions. This variant results in a copy number gain of the genomic region encompassing exon(s) 3-16 of the LMBRD1 gene. This region includes the termination codon of the gene. This copy number gain extends beyond the assayed region for this gene and therefore may encompass additional genes. As the precise location of this event is unknown, it may be in tandem or it may be located elsewhere in the genome.